The following is an entry in ClinVar:

NM_001384140.1(PCDH15):c.3964G>C (p.Asp1322His)

Gene: PCDH15 (protocadherin related 15; minus strand). Cytogenetic location: 10q21.1.
Variant type: single nucleotide variant.
Coding change: c.3964G>C on transcript NM_001384140.1 (MANE Select); coding-DNA position 3964, G replaced by C.
Protein change: p.Asp1322His; replaces aspartic acid 1322 with histidine.
Molecular consequence: missense variant.
Genome position (GRCh38, 1-based): chr10:53,840,339, C>G on the plus strand (G>C on the coding strand, the complement: PCDH15 is on the minus strand). VCF-style: chr10-53840339-C-G. GRCh37 (hg19) VCF-style: chr10-55600099-C-G.
Other names: c.3979G>C, p.Asp1327His (NM_001142763.2, NM_001142771.2); c.3964G>C, p.Asp1322His (NM_001142764.2, NM_001142766.2, NM_001142770.3 and 4 more transcripts); c.3751G>C, p.Asp1251His (NM_001142765.2); c.3853G>C, p.Asp1285His (NM_001142767.2); c.3898G>C, p.Asp1300His (NM_001142768.2, NM_001142773.2, NM_001354404.2); c.4000G>C, p.Asp1334His (NM_001142769.4); c.3985G>C, p.Asp1329His (NM_001354411.2); short protein forms D1322H, D1334H, D1251H, D1285H, D1329H, D1300H, D1327H.
Identifiers: ClinVar variation 546167 (VCV000546167.6), dbSNP rs1411262816, ClinGen allele CA376528688.
Genomic context (GRCh38, chr10:53,840,339, plus strand): 5'-TTGTAACCAAAGAGCTGTTACAGATAACAAAAAGCACTTACTTAAAAAGCTCATTTCTAT[C>G]GATGGCTCTGTTGGTTTGGGGGTCAATTGCATAGACAGTCAAGTCACATTTGGTGTAATC-3'
Protein context (NP_001371069.1, residues 1312-1332): AIDPQTNRAI[Asp1322His]RNELFKFLDG

ClinVar aggregate classification (germline): Uncertain significance. Review status: criteria provided, multiple submitters, no conflicts (2 of 4 stars). 3 submissions from 3 submitters: Uncertain significance (2). 1 of the submissions does not count toward it. Last evaluated 2022-01-02.

Conditions:
Usher syndrome type 1F (USH1F). Also called: USHER SYNDROME, TYPE IF. Identifiers: Orphanet 231169, Orphanet 886, MedGen C1865885, MONDO:0011186, OMIM 602083.

Allele frequency attached by ClinVar (database versions not stated): TOPMed 0.00001.
gnomAD v4.1: 5 of 1,614,042 alleles (0.00031%); highest among the groups gnomAD compares: East Asian, 0.0045%; no homozygotes.

Submissions (3):

GeneDx
Classification: Uncertain significance. Last evaluated: 2022-01-02. Review status: criteria provided, single submitter. Criteria: GeneDx Variant Classification Process June 2021. Collection method: clinical testing. Allele origin: germline. Affected: yes.
Comment: In silico analysis supports that this missense variant has a deleterious effect on protein structure/function; Has not been previously published as pathogenic or benign to our knowledge

Labcorp Genetics (formerly Invitae), Labcorp
Classification: Uncertain significance. Last evaluated: 2021-09-24. Review status: criteria provided, single submitter. Criteria: Invitae Variant Classification Sherloc (09022015). Collection method: clinical testing. Allele origin: germline.
Comment: This sequence change replaces aspartic acid with histidine at codon 1322 of the PCDH15 protein (p.Asp1322His). The aspartic acid residue is moderately conserved and there is a moderate physicochemical difference between aspartic acid and histidine. This variant is not present in population databases (ExAC no frequency). This variant has not been reported in the literature in individuals with PCDH15-related conditions. ClinVar contains an entry for this variant (Variation ID: 546167). Algorithms developed to predict the effect of missense changes on protein structure and function are either unavailable or do not agree on the potential impact of this missense change (SIFT: "Tolerated"; PolyPhen-2: "Possibly Damaging"; Align-GVGD: "Class C0"). In summary, the available evidence is currently insufficient to determine the role of this variant in disease. Therefore, it has been classified as a Variant of Uncertain Significance.

Natera, Inc.
Classification: Uncertain significance for Usher syndrome type 1F. Last evaluated: 2019-11-11. Review status: no assertion criteria provided. Collection method: clinical testing. Allele origin: germline. Not counted in ClinVar's aggregate classification.